The following is an entry in ClinVar:

ClinVar aggregate classification (germline): Uncertain significance. Review status: criteria provided, multiple submitters, no conflicts (2 of 4 stars). 2 submissions from 2 submitters: Uncertain significance (2). Last evaluated 2023-06-06.

Conditions:
Primary ciliary dyskinesia. Also called: Ciliary dyskinesia. Identifiers: Orphanet 244, MedGen C0008780, MONDO:0016575, HP:0012265.

Allele frequency attached by ClinVar (database versions not stated): TOPMed 0.00001; gnomAD exomes 0.00009; ExAC 0.00012.
gnomAD v4.1: 70 of 1,613,672 alleles (0.0043%); highest among the groups gnomAD compares: South Asian, 0.051%; no homozygotes.

Submissions (2):

Ambry Genetics
Classification: Uncertain significance. Last evaluated: 2023-06-06. Review status: criteria provided, single submitter. Criteria: Ambry Variant Classification Scheme 2023. Collection method: clinical testing. Allele origin: germline.

Labcorp Genetics (formerly Invitae), Labcorp
Classification: Uncertain significance for Primary ciliary dyskinesia. Last evaluated: 2022-10-17. Review status: criteria provided, single submitter. Criteria: Invitae Variant Classification Sherloc (09022015). Collection method: clinical testing. Allele origin: germline.
Comment: This sequence change replaces asparagine, which is neutral and polar, with serine, which is neutral and polar, at codon 4597 of the DNAH8 protein (p.Asn4597Ser). This variant is present in population databases (rs774818998, gnomAD 0.07%). This variant has not been reported in the literature in individuals affected with DNAH8-related conditions. ClinVar contains an entry for this variant (Variation ID: 525335). Advanced modeling of protein sequence and biophysical properties (such as structural, functional, and spatial information, amino acid conservation, physicochemical variation, residue mobility, and thermodynamic stability) performed at Invitae indicates that this missense variant is not expected to disrupt DNAH8 protein function. In summary, the available evidence is currently insufficient to determine the role of this variant in disease. Therefore, it has been classified as a Variant of Uncertain Significance.

NM_001206927.2(DNAH8):c.13790A>G (p.Asn4597Ser)

Gene: DNAH8 (dynein axonemal heavy chain 8; plus strand). Cytogenetic location: 6p21.2.
Variant type: single nucleotide variant.
Coding change: c.13790A>G on transcript NM_001206927.2 (MANE Select); coding-DNA position 13790, A replaced by G.
Protein change: p.Asn4597Ser; replaces asparagine 4597 with serine.
Molecular consequence: missense variant.
Genome position (GRCh38, 1-based): chr6:39,026,621, A>G. VCF-style: chr6-39026621-A-G. GRCh37 (hg19) VCF-style: chr6-38994397-A-G.
Other names: c.13139A>G, p.Asn4380Ser (NM_001371.4); short protein forms N4597S, N4380S.
Identifiers: ClinVar variation 525335 (VCV000525335.17), dbSNP rs774818998, ClinGen allele CA3791771.